The following is an entry in ClinVar:

ClinVar aggregate classification (germline): Uncertain significance (1 of 4 stars; one submission).

Conditions:
Holocarboxylase synthetase deficiency. Also called: MULTIPLE CARBOXYLASE DEFICIENCY, EARLY ONSET. Identifiers: Orphanet 79242, MedGen C0268581, MONDO:0009666, OMIM 253270.

gnomAD v4.1: 2 of 1,614,156 alleles (0.00012%); highest among the groups gnomAD compares: Middle Eastern, 0.016%; no homozygotes.

Submission:

Labcorp Genetics (formerly Invitae), Labcorp
Classification: Uncertain significance for Holocarboxylase synthetase deficiency. Last evaluated: 2022-10-25. Review status: criteria provided, single submitter. Criteria: Invitae Variant Classification Sherloc (09022015). Collection method: clinical testing. Allele origin: germline.
Comment: In summary, the available evidence is currently insufficient to determine the role of this variant in disease. Therefore, it has been classified as a Variant of Uncertain Significance. Advanced modeling of protein sequence and biophysical properties (such as structural, functional, and spatial information, amino acid conservation, physicochemical variation, residue mobility, and thermodynamic stability) has been performed at Invitae for this missense variant, however the output from this modeling did not meet the statistical confidence thresholds required to predict the impact of this variant on HLCS protein function. This variant has not been reported in the literature in individuals affected with HLCS-related conditions. This variant is not present in population databases (gnomAD no frequency). This sequence change replaces leucine, which is neutral and non-polar, with phenylalanine, which is neutral and non-polar, at codon 197 of the HLCS protein (p.Leu197Phe).

NM_001352514.2(HLCS):c.1030C>T (p.Leu344Phe)

Gene: HLCS (holocarboxylase synthetase; minus strand). Cytogenetic location: 21q22.13.
Variant type: single nucleotide variant.
Coding change: c.1030C>T on transcript NM_001352514.2 (MANE Select); coding-DNA position 1030, C replaced by T.
Protein change: p.Leu344Phe; replaces leucine 344 with phenylalanine.
Molecular consequence: missense variant. On other transcripts: non-coding transcript variant (2).
Genome position (GRCh38, 1-based): chr21:36,936,856, G>A on the plus strand (C>T on the coding strand, the complement: HLCS is on the minus strand). VCF-style: chr21-36936856-G-A. GRCh37 (hg19) VCF-style: chr21-38309156-G-A.
Other names: c.589C>T, p.Leu197Phe (NM_000411.8, NM_001242784.3, NM_001242785.2 and 4 more transcripts); short protein forms L197F, L344F.
Identifiers: ClinVar variation 2171313 (VCV002171313.4), dbSNP rs748209842, ClinGen allele CA409912725.